The following is an entry in ClinVar:

ClinVar aggregate classification (germline): Uncertain significance (1 of 4 stars; one submission).

Submission:

GeneDx
Classification: Uncertain significance. Last evaluated: 2022-04-12. Review status: criteria provided, single submitter. Criteria: GeneDx Variant Classification Process June 2021. Collection method: clinical testing. Allele origin: germline. Affected: yes.
Comment: Not observed at significant frequency in large population cohorts (gnomAD); In silico analysis supports that this missense variant does not alter protein structure/function; Has not been previously published as pathogenic or benign to our knowledge

NM_001130823.3(DNMT1):c.3363C>G (p.Ser1121Arg)

Gene: DNMT1 (DNA methyltransferase 1; minus strand). Cytogenetic location: 19p13.2.
Variant type: single nucleotide variant.
Coding change: c.3363C>G on transcript NM_001130823.3 (MANE Select); coding-DNA position 3363, C replaced by G.
Protein change: p.Ser1121Arg; replaces serine 1121 with arginine.
Molecular consequence: missense variant.
Genome position (GRCh38, 1-based): chr19:10,141,136, G>C on the plus strand (C>G on the coding strand, the complement: DNMT1 is on the minus strand). VCF-style: chr19-10141136-G-C. GRCh37 (hg19) VCF-style: chr19-10251812-G-C.
Other names: c.3315C>G, p.Ser1105Arg (NM_001318730.2, NM_001379.4); c.3000C>G, p.Ser1000Arg (NM_001318731.2); short protein forms S1000R, S1105R, S1121R.
Identifiers: ClinVar variation 1712034 (VCV001712034.2), dbSNP rs2513783048, ClinGen allele CA403974214.